The following is an entry in ClinVar:

NM_022051.3(EGLN1):c.653_664del (p.Thr218_Gln221del)

Gene: EGLN1 (egl-9 family hypoxia inducible factor 1; minus strand). Cytogenetic location: 1q42.2.
Variant type: Deletion.
Coding change: c.653_664del on transcript NM_022051.3 (MANE Select); coding-DNA positions 653 to 664, 12 bases deleted (CCGGACAGCAGA).
Protein change: p.Thr218_Gln221del.
Molecular consequence: inframe deletion.
Genome position (GRCh38, 1-based): chr1:231,421,225-231,421,236, TCTGCTGTCCGG deleted on the plus strand (CCGGACAGCAGA on the coding strand, the reverse complement: EGLN1 is on the minus strand); deleting any 12 consecutive bases within chr1:231,421,225-231,421,239 gives the same sequence; the c. name uses the placement nearest the transcript's 3' end. VCF-style (leftmost placement, unchanged base first): chr1-231421224-ATCTGCTGTCCGG-A. GRCh37 (hg19) VCF-style: chr1-231556970-ATCTGCTGTCCGG-A.
Other names: c.653_664del, p.Thr218_Gln221del (NM_001377260.1, NM_001377261.1).
Identifiers: ClinVar variation 4685597 (VCV004685597.1).
Genomic context (GRCh38, chr1:231,421,224, plus strand): 5'-CTGACCAGCTGCCCGTCCGTGAACTTCCCGGTGTCGTGCAGGGCGCGCACCTCGTCGCCG[ATCTGCTGTCCGG>A]TCTCCTTGCCGAGGAAGTCGTCCACCACACAGATGCCGTGCTTGTTCATGCACGGCACGA-3'

ClinVar aggregate classification (germline): Uncertain significance (1 of 4 stars; one submission).

Submission:

ARUP Laboratories, Molecular Genetics and Genomics, ARUP Laboratories
Classification: Uncertain significance. Last evaluated: 2025-01-29. Review status: criteria provided, single submitter. Criteria: ARUP Molecular Germline Variant Investigation Process 2024. Collection method: clinical testing. Allele origin: germline.
Comment: The EGLN1 c.653_664del; p.Thr218_Gln221del variant, to our knowledge, is not reported in the medical literature or gene specific databases. This variant is also absent from the Genome Aggregation Database (v2.1.1), indicating it is not a common polymorphism. This variant deletes four amino acid residues leaving the rest of the protein in-frame. Due to limited information, the clinical significance of this variant is uncertain at this time.